The following is an entry in ClinVar:

NM_001368894.2(PAX6):c.141+1G>A

Gene: PAX6 (paired box 6; minus strand). Cytogenetic location: 11p13.
Variant type: single nucleotide variant.
Coding change: c.141+1G>A on transcript NM_001368894.2 (MANE Select); the canonical splice donor site of the intron after coding-DNA position 141, G replaced by A.
Molecular consequence: splice donor variant. On other transcripts: missense variant (3), intron variant (2).
Genome position (GRCh38, 1-based): chr11:31,802,703, C>T on the plus strand (G>A on the coding strand, the complement: PAX6 is on the minus strand). VCF-style: chr11-31802703-C-T. GRCh37 (hg19) VCF-style: chr11-31824251-C-T.
Other names: c.142G>A, p.Val48Met (NM_001368918.2, NM_001368919.2, NM_001368920.2); c.141+1G>A (NM_001127612.3, NM_001368921.2, NM_001368923.2 and 27 more transcripts); c.384+1G>A (NM_001368910.2); c.-267-927G>A (NM_001368909.2, NM_001368904.2); c.144+1G>A (NM_001368911.2); c.-641+1G>A (NM_001368905.2, NM_001310160.2); c.-268+1G>A (NM_001368906.2, NM_001368901.2, NM_001368899.2 and 1 more transcripts); c.-310+1G>A (NM_001368908.2, NM_001310161.3, NM_001368900.2 and 2 more transcripts); and 1 more; short protein forms V48M.
Identifiers: ClinVar variation 503635 (VCV000503635.8), dbSNP rs1554985714, ClinGen allele CA379959457.

ClinVar aggregate classification (germline): Pathogenic. Review status: criteria provided, multiple submitters, no conflicts (2 of 4 stars). 2 submissions from 2 submitters: Pathogenic (2). Last evaluated 2024-10-03.

Conditions:
Aniridia 1 (AN1). Identifiers: Orphanet 250923, MedGen C0344542, MONDO:0024507, OMIM 106210.
Irido-corneo-trabecular dysgenesis (ASGD5). Also called: ANTERIOR SEGMENT DYSGENESIS 5. Identifiers: Orphanet 708, MedGen C0344559, MONDO:0011414, OMIM 604229, HP:0000659.

Allele frequency attached by ClinVar (database versions not stated): gnomAD 0.00001.
gnomAD v4.1: 1 of 1,611,486 alleles (0.000062%); highest among the groups gnomAD compares: Admixed American, 0.0017%; no homozygotes.

Submissions (2):

Labcorp Genetics (formerly Invitae), Labcorp
Classification: Pathogenic for Aniridia 1; Irido-corneo-trabecular dysgenesis. Last evaluated: 2024-10-03. Review status: criteria provided, single submitter. Criteria: Invitae Variant Classification Sherloc (09022015). Collection method: clinical testing. Allele origin: germline.
Comment: This sequence change affects a donor splice site in intron 5 of the PAX6 gene. It is expected to disrupt RNA splicing. Variants that disrupt the donor or acceptor splice site typically lead to a loss of protein function (PMID: 16199547), and loss-of-function variants in PAX6 are known to be pathogenic (PMID: 12634864). This variant is not present in population databases (gnomAD no frequency). Disruption of this splice site has been observed in individual(s) with aniridia (PMID: 16785853, 24266705). It has also been observed to segregate with disease in related individuals. ClinVar contains an entry for this variant (Variation ID: 503635). Algorithms developed to predict the effect of sequence changes on RNA splicing suggest that this variant may disrupt the consensus splice site. For these reasons, this variant has been classified as Pathogenic.

GeneDx
Classification: Pathogenic. Last evaluated: 2018-01-25. Review status: criteria provided, single submitter. Criteria: GeneDx Variant Classification (06012015). Collection method: clinical testing. Allele origin: germline. Affected: yes.
Comment: The c.141+1 G>A splice site variant in the PAX6 gene has been previously reported in association with aniridia (Wang et al., 2006; Fernandes-Lima et al., 2015). The variant is not observed in large population cohorts (Lek et al., 2016). The c.141+1 G>A variant destroys the canonical splice donor site in intron 5, and is expected to cause abnormal gene splicing. In summary, we consider c.141+1G>A to be pathogenic.

Literature cited by the submitters: PubMed 16199547 (cited by Labcorp Genetics (formerly Invitae), Labcorp); PubMed 12634864 (cited by Labcorp Genetics (formerly Invitae), Labcorp); PubMed 16785853 (cited by Labcorp Genetics (formerly Invitae), Labcorp); PubMed 24266705 (cited by Labcorp Genetics (formerly Invitae), Labcorp).